The following is an entry in ClinVar:

NM_153704.6(TMEM67):c.1965G>C (p.Glu655Asp)

Gene: TMEM67 (transmembrane protein 67; plus strand). Cytogenetic location: 8q22.1.
Variant type: single nucleotide variant.
Coding change: c.1965G>C on transcript NM_153704.6 (MANE Select); coding-DNA position 1965, G replaced by C.
Protein change: p.Glu655Asp; replaces glutamic acid 655 with aspartic acid.
Molecular consequence: missense variant. On other transcripts: non-coding transcript variant (1).
Genome position (GRCh38, 1-based): chr8:93,797,335, G>C. VCF-style: chr8-93797335-G-C. GRCh37 (hg19) VCF-style: chr8-94809563-G-C.
Other names: c.1722G>C, p.Glu574Asp (NM_001142301.1); short protein forms E655D, E574D.
Identifiers: ClinVar variation 4977736 (VCV004977736.1).

ClinVar aggregate classification (germline): Uncertain significance (1 of 4 stars; one submission).

Conditions:
TMEM67-related disorder. Also called: TMEM67-related condition; TMEM67-related disorders. Identifiers: MedGen CN239423.

gnomAD v4.1: 14 of 1,614,120 alleles (0.00087%); highest among the groups gnomAD compares: South Asian, 0.015%; no homozygotes.

Submission:

PreventionGenetics, part of Exact Sciences
Classification: Uncertain significance for TMEM67-related condition. Last evaluated: 2025-03-09. Review status: criteria provided, single submitter. Criteria: ACMG Guidelines, 2015. Collection method: clinical testing. Allele origin: germline.
Comment: The TMEM67 c.1965G>C variant is predicted to result in the amino acid substitution p.Glu655Asp. To our knowledge, this variant has not been reported in the literature. This variant is reported in 0.013% of alleles in individuals of South Asian descent in gnomAD. At this time, the clinical significance of this variant is uncertain due to the absence of conclusive functional and genetic evidence.